The following is an entry in ClinVar:

NM_006767.4(LZTR1):c.918G>A (p.Thr306=)

Gene: LZTR1 (leucine zipper like post translational regulator 1; plus strand). Cytogenetic location: 22q11.21.
Variant type: single nucleotide variant.
Coding change: c.918G>A on transcript NM_006767.4 (MANE Select); coding-DNA position 918, G replaced by A.
Protein change: p.Thr306=; no amino-acid change (threonine 306 retained).
Molecular consequence: synonymous variant.
Genome position (GRCh38, 1-based): chr22:20,991,754, G>A. VCF-style: chr22-20991754-G-A. GRCh37 (hg19) VCF-style: chr22-21346043-G-A.
Identifiers: ClinVar variation 772193 (VCV000772193.14), dbSNP rs367738742, ClinGen allele CA10118664.
Genomic context (GRCh38, chr22:20,991,754, plus strand): 5'-GCATACCATGGTGGCCTTTGACCGCCACCTCTATGTGTTTGGGGGTGCGGCCGACAACAC[G>A]CTGCCCAACGAGCTGCACTGCTATGACGTGGACTTCCAGACCTGGGAGGTCGTCCAGCCC-3'
Protein context (NP_006758.2, residues 296-316): LYVFGGAADN[Thr306=]LPNELHCYDV

ClinVar aggregate classification (germline): Benign/Likely benign. Review status: criteria provided, multiple submitters, no conflicts (2 of 4 stars). 6 submissions from 6 submitters: Benign (1); Likely benign (4). 1 of the submissions does not count toward it. Last evaluated 2026-01-26.

Conditions:
LZTR1-related disorder. Also called: LZTR1-related disorders; LZTR1-related condition.
Hereditary cancer-predisposing syndrome. Also called: Tumor predisposition; Hereditary neoplastic syndrome; Neoplastic Syndromes, Hereditary; Hereditary Cancer Syndrome. Identifiers: Orphanet 140162, MedGen C0027672, MeSH D009386, MONDO:0015356.
Cardiovascular phenotype. Identifiers: MedGen CN230736.
Noonan syndrome 2 (NS2). Identifiers: Orphanet 648, MedGen C1854469, MONDO:0011531, OMIM 605275.
LZTR1-related schwannomatosis. Also called: Schwannomatosis-2, susceptibility to; Schwannomatosis 2. Identifiers: Orphanet 93921, MedGen C3810283, MONDO:0014299, OMIM 615670.
Noonan syndrome 10 (NS10). Identifiers: Orphanet 648, MedGen C4225280, MONDO:0014693, OMIM 616564.

Allele frequency attached by ClinVar (database versions not stated): TOPMed 0.00006.

Submissions (6):

Labcorp Genetics (formerly Invitae), Labcorp
Classification: Likely benign. Last evaluated: 2026-01-26. Review status: criteria provided, single submitter. Criteria: Invitae Variant Classification Sherloc (09022015). Collection method: clinical testing. Allele origin: germline.

Department of Pathology and Laboratory Medicine, Sinai Health System
Classification: Likely benign for Noonan syndrome 2; LZTR1-related schwannomatosis; Noonan syndrome 10. Last evaluated: 2024-12-16. Review status: criteria provided, single submitter. Criteria: ACMG Guidelines, 2015. Collection method: clinical testing. Allele origin: germline.

Blueprint Genetics
Classification: Likely benign. Last evaluated: 2024-11-04. Review status: criteria provided, single submitter. Criteria: ACMG Guidelines, 2015. Collection method: clinical testing. Allele origin: germline.

Women's Health and Genetics/Laboratory Corporation of America, LabCorp
Classification: Benign. Last evaluated: 2023-07-22. Review status: criteria provided, single submitter. Criteria: LabCorp Variant Classification Summary - May 2015. Collection method: clinical testing. Allele origin: germline.

Ambry Genetics
Classification: Likely benign for Cardiovascular phenotype; Hereditary cancer-predisposing syndrome. Last evaluated: 2020-09-02. Review status: criteria provided, single submitter. Criteria: Ambry Variant Classification Scheme 2023. Collection method: clinical testing. Allele origin: germline.

PreventionGenetics, part of Exact Sciences
Classification: Likely benign for LZTR1-related condition. Last evaluated: 2024-04-04. Review status: no assertion criteria provided. Collection method: clinical testing. Allele origin: germline. Not counted in ClinVar's aggregate classification.
Comment: This variant is classified as likely benign based on ACMG/AMP sequence variant interpretation guidelines (Richards et al. 2015 PMID: 25741868, with internal and published modifications).